The following is an entry in ClinVar:

NM_002796.3(PSMB4):c.656G>A (p.Arg219Gln)

Gene: PSMB4 (proteasome 20S subunit beta 4; plus strand). Cytogenetic location: 1q21.3.
Variant type: single nucleotide variant.
Coding change: c.656G>A on transcript NM_002796.3 (MANE Select); coding-DNA position 656, G replaced by A.
Protein change: p.Arg219Gln; replaces arginine 219 with glutamine.
Molecular consequence: missense variant.
Genome position (GRCh38, 1-based): chr1:151,401,318, G>A. VCF-style: chr1-151401318-G-A. GRCh37 (hg19) VCF-style: chr1-151373794-G-A.
Other names: short protein forms R219Q.
Identifiers: ClinVar variation 3639889 (VCV003639889.2).
Genomic context (GRCh38, chr1:151,401,318, plus strand): 5'-TGGAGAAGCAGCCAGTGCTAAGCCAGACCGAGGCCCGCGACTTAGTAGAACGCTGCATGC[G>A]AGTGCTGTACTACCGAGATGCCCGTTCTTACAACCGGGTGAGGGATGTGCTGGGAACCTA-3'
Protein context (NP_002787.2, residues 209-229): EARDLVERCM[Arg219Gln]VLYYRDARSY

ClinVar aggregate classification (germline): Uncertain significance (1 of 4 stars; one submission).

gnomAD v4.1: 6 of 1,614,040 alleles (0.00037%); highest among the groups gnomAD compares: African/African-American, 0.0027%; no homozygotes.

Submission:

Labcorp Genetics (formerly Invitae), Labcorp
Classification: Uncertain significance. Last evaluated: 2024-12-12. Review status: criteria provided, single submitter. Criteria: Invitae Variant Classification Sherloc (09022015). Collection method: clinical testing. Allele origin: germline.
Comment: This sequence change replaces arginine, which is basic and polar, with glutamine, which is neutral and polar, at codon 219 of the PSMB4 protein (p.Arg219Gln). This variant is present in population databases (rs143739858, gnomAD 0.01%). This variant has not been reported in the literature in individuals affected with PSMB4-related conditions. An algorithm developed to predict the effect of missense changes on protein structure and function (PolyPhen-2) suggests that this variant is likely to be tolerated. In summary, the available evidence is currently insufficient to determine the role of this variant in disease. Therefore, it has been classified as a Variant of Uncertain Significance.